The following is an entry in ClinVar:

ClinVar aggregate classification (germline): Uncertain significance (1 of 4 stars; one submission).

Submission:

Labcorp Genetics (formerly Invitae), Labcorp
Classification: Uncertain significance. Last evaluated: 2024-04-02. Review status: criteria provided, single submitter. Criteria: Invitae Variant Classification Sherloc (09022015). Collection method: clinical testing. Allele origin: germline.
Comment: This sequence change falls in intron 9 of the RUSC2 gene. It does not directly change the encoded amino acid sequence of the RUSC2 protein. It affects a nucleotide within the consensus splice site. This variant is not present in population databases (gnomAD no frequency). This variant has not been reported in the literature in individuals affected with RUSC2-related conditions. Variants that disrupt the consensus splice site are a relatively common cause of aberrant splicing (PMID: 17576681, 9536098). Algorithms developed to predict the effect of sequence changes on RNA splicing suggest that this variant is not likely to affect RNA splicing. In summary, the available evidence is currently insufficient to determine the role of this variant in disease. Therefore, it has been classified as a Variant of Uncertain Significance.

Literature cited by the submitters: PubMed 17576681; PubMed 9536098.

NM_014806.5(RUSC2):c.3388+6G>A

Gene: RUSC2 (RUN and SH3 domain containing 2; plus strand). Cytogenetic location: 9p13.3.
Variant type: single nucleotide variant.
Coding change: c.3388+6G>A on transcript NM_014806.5 (MANE Select); 6 bases into the intron after coding-DNA position 3388, G replaced by A.
Molecular consequence: intron variant.
Genome position (GRCh38, 1-based): chr9:35,559,278, G>A. VCF-style: chr9-35559278-G-A. GRCh37 (hg19) VCF-style: chr9-35559275-G-A.
Other names: c.754+6G>A (NM_001330740.2); c.3388+6G>A (NM_001135999.2).
Identifiers: ClinVar variation 3640639 (VCV003640639.2).